The following is an entry in ClinVar:

NM_015158.5(KANK1):c.587T>C (p.Leu196Pro)

Gene: KANK1 (KN motif and ankyrin repeat domains 1; plus strand). Cytogenetic location: 9p24.3.
Variant type: single nucleotide variant.
Coding change: c.587T>C on transcript NM_015158.5 (MANE Select); coding-DNA position 587, T replaced by C.
Protein change: p.Leu196Pro; replaces leucine 196 with proline.
Molecular consequence: missense variant. On other transcripts: non-coding transcript variant (1).
Genome position (GRCh38, 1-based): chr9:711,353, T>C. VCF-style: chr9-711353-T-C. GRCh37 (hg19) VCF-style: chr9-711353-T-C.
Other names: c.113T>C, p.Leu38Pro (NM_001354344.2, NM_153186.6, NM_001354333.2 and 9 more transcripts); c.587T>C, p.Leu196Pro (NM_001256876.3, NM_001256877.3, NM_001354331.2 and 2 more transcripts); short protein forms L196P, L38P.
Identifiers: ClinVar variation 3662407 (VCV003662407.2).

ClinVar aggregate classification (germline): Uncertain significance (1 of 4 stars; one submission).

Submission:

Labcorp Genetics (formerly Invitae), Labcorp
Classification: Uncertain significance. Last evaluated: 2025-03-17. Review status: criteria provided, single submitter. Criteria: Invitae Variant Classification Sherloc (09022015). Collection method: clinical testing. Allele origin: germline.
Comment: This sequence change replaces leucine, which is neutral and non-polar, with proline, which is neutral and non-polar, at codon 196 of the KANK1 protein (p.Leu196Pro). This variant is not present in population databases (gnomAD no frequency). This variant has not been reported in the literature in individuals affected with KANK1-related conditions. Invitae Evidence Modeling of protein sequence and biophysical properties (such as structural, functional, and spatial information, amino acid conservation, physicochemical variation, residue mobility, and thermodynamic stability) indicates that this missense variant is expected to disrupt KANK1 protein function with a positive predictive value of 80%. In summary, the available evidence is currently insufficient to determine the role of this variant in disease. Therefore, it has been classified as a Variant of Uncertain Significance.